The following is an entry in ClinVar:

NM_004304.5(ALK):c.1502G>T (p.Trp501Leu)

Gene: ALK (ALK receptor tyrosine kinase; minus strand). Cytogenetic location: 2p23.2.
Variant type: single nucleotide variant.
Coding change: c.1502G>T on transcript NM_004304.5 (MANE Select); coding-DNA position 1502, G replaced by T.
Protein change: p.Trp501Leu; replaces tryptophan 501 with leucine.
Molecular consequence: missense variant.
Genome position (GRCh38, 1-based): chr2:29,320,795, C>A on the plus strand (G>T on the coding strand, the complement: ALK is on the minus strand). VCF-style: chr2-29320795-C-A. GRCh37 (hg19) VCF-style: chr2-29543661-C-A.
Other names: short protein forms W501L.
Identifiers: ClinVar variation 945259 (VCV000945259.9), dbSNP rs1667012482, ClinGen allele CA346472344.

ClinVar aggregate classification (germline): Uncertain significance (1 of 4 stars; one submission).

Conditions:
Neuroblastoma, susceptibility to, 3. Also called: ALK-Related Neuroblastic Tumor Susceptibility. Identifiers: Orphanet 635, MedGen C2751681, MONDO:0013083, OMIM 613014.

Submission:

Labcorp Genetics (formerly Invitae), Labcorp
Classification: Uncertain significance for Neuroblastoma, susceptibility to, 3. Last evaluated: 2019-07-01. Review status: criteria provided, single submitter. Criteria: Invitae Variant Classification Sherloc (09022015). Collection method: clinical testing. Allele origin: germline.
Comment: This variant has not been reported in the literature in individuals with ALK-related conditions. This variant is not present in population databases (ExAC no frequency). This sequence change replaces tryptophan with leucine at codon 501 of the ALK protein (p.Trp501Leu). The tryptophan residue is highly conserved and there is a small physicochemical difference between tryptophan and leucine. Algorithms developed to predict the effect of missense changes on protein structure and function (SIFT, PolyPhen-2, Align-GVGD) all suggest that this variant is likely to be disruptive, but these predictions have not been confirmed by published functional studies and their clinical significance is uncertain. In summary, the available evidence is currently insufficient to determine the role of this variant in disease. Therefore, it has been classified as a Variant of Uncertain Significance.